The following is an entry in ClinVar:

ClinVar aggregate classification (germline): Uncertain significance (1 of 4 stars; one submission).

gnomAD v4.1: 3 of 1,614,036 alleles (0.00019%); highest among the groups gnomAD compares: Admixed American, 0.0033%; no homozygotes.

Submission:

GeneDx
Classification: Uncertain significance. Last evaluated: 2023-08-31. Review status: criteria provided, single submitter. Criteria: GeneDx Variant Classification Process June 2021. Collection method: clinical testing. Allele origin: germline. Affected: yes.
Comment: Not observed at significant frequency in large population cohorts (gnomAD); Missense variants in this gene are often considered pathogenic (HGMD); In silico analysis supports that this missense variant has a deleterious effect on protein structure/function; Has not been previously published as pathogenic or benign to our knowledge; This substitution is predicted to be within the N-terminal cytoplasmic domain.

NM_001165963.4(SCN1A):c.74T>C (p.Ile25Thr)

Gene: SCN1A (sodium voltage-gated channel alpha subunit 1; minus strand). Cytogenetic location: 2q24.3.
Variant type: single nucleotide variant.
Coding change: c.74T>C on transcript NM_001165963.4 (MANE Select); coding-DNA position 74, T replaced by C.
Protein change: p.Ile25Thr; replaces isoleucine 25 with threonine.
Molecular consequence: missense variant. On other transcripts: 5 prime UTR variant (1), non-coding transcript variant (1).
Genome position (GRCh38, 1-based): chr2:166,073,548, A>G on the plus strand (T>C on the coding strand, the complement: SCN1A is on the minus strand). VCF-style: chr2-166073548-A-G. GRCh37 (hg19) VCF-style: chr2-166930058-A-G.
Other names: c.74T>C, p.Ile25Thr (NM_001165964.3, NM_001202435.3, NM_001353948.2 and 10 more transcripts); c.-2352T>C (NM_001353961.2); short protein forms I25T.
Identifiers: ClinVar variation 3338712 (VCV003338712.1).
Genomic context (GRCh38, chr2:166,073,548, plus strand): 5'-TCGTCATCTTTTTTGTCTGGTTTGGGATTCTTTGCCTTTTCTTCTGCAATGCGTCTTTCA[A>G]TAGCCGCAAGAGATTCTCTGGTGAAGAAGTTGAAGCTGTCAGGTCCTGGTGGTACAAGCA-3'
Protein context (NP_001159435.1, residues 15-35): NFFTRESLAA[Ile25Thr]ERRIAEEKAK